The following is an entry in ClinVar:

ClinVar aggregate classification (germline): Uncertain significance (1 of 4 stars; one submission).

Allele frequency attached by ClinVar (database versions not stated): gnomAD exomes below 0.00001; ExAC 0.00001.
gnomAD v4.1: 4 of 1,613,528 alleles (0.00025%); highest among the groups gnomAD compares: Non-Finnish European, 0.00025%; no homozygotes.

Submission:

Labcorp Genetics (formerly Invitae), Labcorp
Classification: Uncertain significance. Last evaluated: 2021-06-28. Review status: criteria provided, single submitter. Criteria: Invitae Variant Classification Sherloc (09022015). Collection method: clinical testing. Allele origin: germline.
Comment: This sequence change replaces arginine with glutamine at codon 134 of the SLC25A12 protein (p.Arg134Gln). The arginine residue is moderately conserved and there is a small physicochemical difference between arginine and glutamine. The frequency data for this variant in the population databases is considered unreliable, as metrics indicate poor data quality at this position in the ExAC database. This variant has not been reported in the literature in individuals with SLC25A12-related conditions. Algorithms developed to predict the effect of missense changes on protein structure and function are either unavailable or do not agree on the potential impact of this missense change (SIFT: "Deleterious"; PolyPhen-2: "Benign"; Align-GVGD: "Class C0"). In summary, the available evidence is currently insufficient to determine the role of this variant in disease. Therefore, it has been classified as a Variant of Uncertain Significance.

NM_003705.5(SLC25A12):c.401G>A (p.Arg134Gln)

Gene: SLC25A12 (solute carrier family 25 member 12; minus strand). Cytogenetic location: 2q31.1.
Variant type: single nucleotide variant.
Coding change: c.401G>A on transcript NM_003705.5 (MANE Select); coding-DNA position 401, G replaced by A.
Protein change: p.Arg134Gln; replaces arginine 134 with glutamine.
Molecular consequence: missense variant. On other transcripts: non-coding transcript variant (1).
Genome position (GRCh38, 1-based): chr2:171,844,433, C>T on the plus strand (G>A on the coding strand, the complement: SLC25A12 is on the minus strand). VCF-style: chr2-171844433-C-T. GRCh37 (hg19) VCF-style: chr2-172700943-C-T.
Other names: short protein forms R134Q.
Identifiers: ClinVar variation 1384561 (VCV001384561.8), dbSNP rs768292187, ClinGen allele CA1966398.